The following is an entry in ClinVar:

NM_021220.4(OVOL2):c.18G>A (p.Leu6=)

Gene: OVOL2 (ovo like zinc finger 2; minus strand). Cytogenetic location: 20p11.23.
Variant type: single nucleotide variant.
Coding change: c.18G>A on transcript NM_021220.4 (MANE Select); coding-DNA position 18, G replaced by A.
Protein change: p.Leu6=; no amino-acid change (leucine 6 retained).
Molecular consequence: synonymous variant. On other transcripts: intron variant (2).
Genome position (GRCh38, 1-based): chr20:18,057,617, C>T on the plus strand (G>A on the coding strand, the complement: OVOL2 is on the minus strand). VCF-style: chr20-18057617-C-T. GRCh37 (hg19) VCF-style: chr20-18038261-C-T.
Other names: c.-76+1463G>A (NM_001303462.1); c.-296-740G>A (NM_001303461.1).
Identifiers: ClinVar variation 3045736 (VCV003045736.2), dbSNP rs141415710, ClinGen allele CA312295320.

ClinVar aggregate classification (germline): Likely benign (0 of 4 stars; one submission).

Conditions:
OVOL2-related disorder. Also called: OVOL2-related condition.

Allele frequency attached by ClinVar (database versions not stated): gnomAD exomes 0.00001; gnomAD 0.00005; TOPMed 0.00006; ESP Exome Variant Server 0.00008.
gnomAD v4.1: 22 of 1,589,466 alleles (0.0014%); highest among the groups gnomAD compares: African/African-American, 0.02%; no homozygotes.

Submission:

PreventionGenetics, part of Exact Sciences
Classification: Likely benign for OVOL2-related condition. Last evaluated: 2019-11-14. Review status: no assertion criteria provided. Collection method: clinical testing. Allele origin: germline.
Comment: This variant is classified as likely benign based on ACMG/AMP sequence variant interpretation guidelines (Richards et al. 2015 PMID: 25741868, with internal and published modifications).